The following is an entry in ClinVar:

NM_014363.6(SACS):c.8384A>G (p.Lys2795Arg)

Gene: SACS (sacsin molecular chaperone; minus strand). Cytogenetic location: 13q12.12.
Variant type: single nucleotide variant.
Coding change: c.8384A>G on transcript NM_014363.6 (MANE Select); coding-DNA position 8384, A replaced by G.
Protein change: p.Lys2795Arg; replaces lysine 2795 with arginine.
Molecular consequence: missense variant.
Genome position (GRCh38, 1-based): chr13:23,335,492, T>C on the plus strand (A>G on the coding strand, the complement: SACS is on the minus strand). VCF-style: chr13-23335492-T-C. GRCh37 (hg19) VCF-style: chr13-23909631-T-C.
Other names: c.7943A>G, p.Lys2648Arg (NM_001278055.2); short protein forms K2648R, K2795R.
Identifiers: ClinVar variation 2172201 (VCV002172201.1), dbSNP rs2542218529, ClinGen allele CA387516757.

ClinVar aggregate classification (germline): Uncertain significance (1 of 4 stars; one submission).

Conditions:
Spastic paraplegia. Identifiers: MedGen C0037772, HP:0001258.

Submission:

Labcorp Genetics (formerly Invitae), Labcorp
Classification: Uncertain significance for Spastic paraplegia. Last evaluated: 2022-02-10. Review status: criteria provided, single submitter. Criteria: Invitae Variant Classification Sherloc (09022015). Collection method: clinical testing. Allele origin: germline.
Comment: This sequence change replaces lysine, which is basic and polar, with arginine, which is basic and polar, at codon 2795 of the SACS protein (p.Lys2795Arg). This variant is not present in population databases (gnomAD no frequency). This variant has not been reported in the literature in individuals affected with SACS-related conditions. Advanced modeling of protein sequence and biophysical properties (such as structural, functional, and spatial information, amino acid conservation, physicochemical variation, residue mobility, and thermodynamic stability) performed at Invitae indicates that this missense variant is not expected to disrupt SACS protein function. In summary, the available evidence is currently insufficient to determine the role of this variant in disease. Therefore, it has been classified as a Variant of Uncertain Significance.